The following is an entry in ClinVar:

NM_000540.3(RYR1):c.9884C>T (p.Ala3295Val)

Gene: RYR1 (ryanodine receptor 1; plus strand). Cytogenetic location: 19q13.2.
Variant type: single nucleotide variant.
Coding change: c.9884C>T on transcript NM_000540.3 (MANE Select); coding-DNA position 9884, C replaced by T.
Protein change: p.Ala3295Val; replaces alanine 3295 with valine.
Molecular consequence: missense variant.
Genome position (GRCh38, 1-based): chr19:38,517,557, C>T. VCF-style: chr19-38517557-C-T. GRCh37 (hg19) VCF-style: chr19-39008197-C-T.
Other names: c.9884C>T, p.Ala3295Val (NM_001042723.2); short protein forms A3295V.
Identifiers: ClinVar variation 4758084 (VCV004758084.1).
Genomic context (GRCh38, chr19:38,517,557, plus strand): 5'-CCATGCTATGCAGCTACCTGCCCCGATGGTGGGAGCGCGGGCCCGAGGCACCCCCTTCCG[C>T]CCTGCCCGCCGGCGCCCCCCCACCCTGCACAGCTGTCACCTCTGACCACCTCAACTCCCT-3'
Protein context (NP_000531.2, residues 3285-3305): WERGPEAPPS[Ala3295Val]LPAGAPPPCT

ClinVar aggregate classification (germline): Uncertain significance (1 of 4 stars; one submission).

Conditions:
Malignant hyperthermia, susceptibility to, 1 (MHS1). Also called: RYR1-Related Malignant Hyperthermia Susceptibility; Malignant hyperthermia suceptibility 1; Anesthesia related hyperthermia; Malignant hyperpyrexia; Fulminating hyperpyrexia; Pharmacogenic myopathy. Identifiers: Orphanet 423, MedGen C2930980, MONDO:0007783, OMIM 145600.

gnomAD v4.1: 1 of 1,613,802 alleles (0.000062%); highest among the groups gnomAD compares: South Asian, 0.0011%; no homozygotes.

Submission:

Color Diagnostics, LLC DBA Color Health
Classification: Uncertain significance for Malignant hyperthermia, susceptibility to, 1. Last evaluated: 2025-09-29. Review status: criteria provided, single submitter. Criteria: ACMG Guidelines, 2015. Collection method: clinical testing. Allele origin: germline.
Comment: This missense variant replaces alanine with valine at codon 3295 of the RYR1 protein. Computational prediction suggests that this variant may not impact protein structure and function. To our knowledge, functional studies have not been reported for this variant. This variant has not been reported in individuals affected with RYR1-related disorders in the literature. This variant has been identified in 1/1461564 chromosomes in the general population by the Genome Aggregation Database (gnomAD). The available evidence is insufficient to determine the role of this variant in disease conclusively. Therefore, this variant is classified as a Variant of Uncertain Significance.